The following is an entry in ClinVar:

NM_012120.3(CD2AP):c.809-180_809-177del

Gene: CD2AP (CD2 associated protein; plus strand). Cytogenetic location: 6p12.3.
Variant type: Microsatellite.
Coding change: c.809-180_809-177del on transcript NM_012120.3 (MANE Select); 180 bases into the intron before coding-DNA position 809 through 177 bases into the intron before coding-DNA position 809, 4 bases deleted (AATG; older notation c.809-180_809-177delAATG).
Molecular consequence: intron variant.
Genome position (GRCh38, 1-based): chr6:47,576,829-47,576,832, AATG deleted; deleting any 4 consecutive bases within chr6:47,576,823-47,576,832 gives the same sequence; the c. name uses the placement nearest the transcript's 3' end. VCF-style (leftmost placement, unchanged base first): chr6-47576822-TTGAA-T. GRCh37 (hg19) VCF-style: chr6-47544558-TTGAA-T.
Identifiers: ClinVar variation 1707334 (VCV001707334.2), dbSNP rs139417092, ClinGen allele CA137941949.
Genomic context (GRCh38, chr6:47,576,822, plus strand): 5'-TTGATGGATGTATCTCCTTGTAGTTGAATCTGTGCCTGGAACATCACAAACAGTAAATAT[TTGAA>T]TGAATGGATTAATGAAATTGTTACTTAACATACGGTATTGACTATAAGTATTTTAAAATT-3'

ClinVar aggregate classification (germline): Likely benign (1 of 4 stars; one submission).

Submission:

GeneDx
Classification: Likely benign. Last evaluated: 2020-03-15. Review status: criteria provided, single submitter. Criteria: GeneDx Variant Classification Process June 2021. Collection method: clinical testing. Allele origin: germline. Affected: yes.
Comment: See Variant Classification Assertion Criteria.